The following is an entry in ClinVar:

NM_152703.5(SAMD9L):c.2607del (p.Phe869fs)

Gene: SAMD9L (sterile alpha motif domain containing 9 like; minus strand). Cytogenetic location: 7q21.2.
Variant type: Deletion.
Coding change: c.2607del on transcript NM_152703.5 (MANE Select); coding-DNA position 2607, one base deleted (T; older notation c.2607delT).
Protein change: p.Phe869fs; shifts the reading frame from phenylalanine 869.
Molecular consequence: frameshift variant.
Genome position (GRCh38, 1-based): chr7:93,133,365, A deleted on the plus strand (T on the coding strand, the reverse complement: SAMD9L is on the minus strand); the first of 4 consecutive A bases (chr7:93,133,365-93,133,368); deleting any one gives the same sequence. VCF-style (leftmost placement, unchanged base first): chr7-93133364-CA-C. GRCh37 (hg19) VCF-style: chr7-92762677-CA-C.
Other names: c.2607del (NM_152703.3); c.2607del, p.Phe869fs (NM_001303496.3, NM_001303497.3, NM_001303498.3 and 5 more transcripts); c.2607delT (NM_152703.3); short protein forms F869fs.
Identifiers: ClinVar variation 720052 (VCV000720052.12), dbSNP rs779246898, ClinGen allele CA4343561.

ClinVar aggregate classification (germline): Conflicting classifications of pathogenicity. Review status: criteria provided, conflicting classifications (1 of 4 stars). 4 submissions from 4 submitters: Uncertain significance (1); Likely benign (2). 1 of the submissions does not count toward it. Last evaluated 2026-02-27.

Conditions:
SAMD9L-related disorder. Also called: SAMD9L-related disorders; SAMD9L-related condition.

Submissions (4):

GeneDx
Classification: Uncertain significance. Last evaluated: 2026-02-27. Review status: criteria provided, single submitter. Criteria: GeneDx Variant Classification Process June 2021. Collection method: clinical testing. Allele origin: germline.
Comment: Frameshift variant predicted to result in abnormal protein length as the last 716 amino acid(s) are replaced with 4 different amino acid(s) with an unclear effect on protein function; Published functional studies suggest this variant may affect SAMD9L mRNA/protein expression (PMID: 33724365); This variant is associated with the following publications: (PMID: 28545555, 33724365)

Labcorp Genetics (formerly Invitae), Labcorp
Classification: Likely benign. Last evaluated: 2025-12-11. Review status: criteria provided, single submitter. Criteria: Invitae Variant Classification Sherloc (09022015). Collection method: clinical testing. Allele origin: germline.

ARUP Laboratories, Molecular Genetics and Genomics, ARUP Laboratories
Classification: Likely benign. Last evaluated: 2024-04-08. Review status: criteria provided, single submitter. Criteria: ARUP Molecular Germline Variant Investigation Process 2024. Collection method: clinical testing. Allele origin: germline.

PreventionGenetics, part of Exact Sciences
Classification: Likely benign for SAMD9L-related condition. Last evaluated: 2023-08-24. Review status: no assertion criteria provided. Collection method: clinical testing. Allele origin: germline. Not counted in ClinVar's aggregate classification.
Comment: This variant is classified as likely benign based on ACMG/AMP sequence variant interpretation guidelines (Richards et al. 2015 PMID: 25741868, with internal and published modifications).